The following is an entry in ClinVar:

NM_031935.3(HMCN1):c.56C>T (p.Ser19Phe)

Gene: HMCN1 (hemicentin 1; plus strand). Cytogenetic location: 1q25.3.
Variant type: single nucleotide variant.
Coding change: c.56C>T on transcript NM_031935.3 (MANE Select); coding-DNA position 56, C replaced by T.
Protein change: p.Ser19Phe; replaces serine 19 with phenylalanine.
Molecular consequence: missense variant.
Genome position (GRCh38, 1-based): chr1:185,734,835, C>T. VCF-style: chr1-185734835-C-T. GRCh37 (hg19) VCF-style: chr1-185703967-C-T.
Other names: short protein forms S19F.
Identifiers: ClinVar variation 3611795 (VCV003611795.2).

ClinVar aggregate classification (germline): Uncertain significance (1 of 4 stars; one submission).

Submission:

Labcorp Genetics (formerly Invitae), Labcorp
Classification: Uncertain significance. Last evaluated: 2024-07-08. Review status: criteria provided, single submitter. Criteria: Invitae Variant Classification Sherloc (09022015). Collection method: clinical testing. Allele origin: germline.
Comment: This sequence change replaces serine, which is neutral and polar, with phenylalanine, which is neutral and non-polar, at codon 19 of the HMCN1 protein (p.Ser19Phe). This variant is not present in population databases (gnomAD no frequency). This variant has not been reported in the literature in individuals affected with HMCN1-related conditions. An algorithm developed to predict the effect of missense changes on protein structure and function (PolyPhen-2) suggests that this variant is likely to be disruptive. In summary, the available evidence is currently insufficient to determine the role of this variant in disease. Therefore, it has been classified as a Variant of Uncertain Significance.